The following is an entry in ClinVar:

NM_001287.6(CLCN7):c.2150G>A (p.Arg717His)

Gene: CLCN7 (Cl-/H+ antiporter 7; minus strand). Cytogenetic location: 16p13.3.
Variant type: single nucleotide variant.
Coding change: c.2150G>A on transcript NM_001287.6 (MANE Select); coding-DNA position 2150, G replaced by A.
Protein change: p.Arg717His; replaces arginine 717 with histidine.
Molecular consequence: missense variant.
Genome position (GRCh38, 1-based): chr16:1,447,492, C>T on the plus strand (G>A on the coding strand, the complement: CLCN7 is on the minus strand). VCF-style: chr16-1447492-C-T. GRCh37 (hg19) VCF-style: chr16-1497493-C-T.
Other names: c.2078G>A, p.Arg693His (NM_001114331.3); short protein forms R717H, R693H.
Identifiers: ClinVar variation 317945 (VCV000317945.8), dbSNP rs886051699, ClinGen allele CA10647831.

ClinVar aggregate classification (germline): Uncertain significance. Review status: criteria provided, multiple submitters, no conflicts (2 of 4 stars). 2 submissions from 2 submitters: Uncertain significance (2). Last evaluated 2025-12-17.

Conditions:
Osteopetrosis. Identifiers: Orphanet 2781, MedGen C0029454, MONDO:0017198, HP:0011002.

Allele frequency attached by ClinVar (database versions not stated): gnomAD exomes below 0.00001.
gnomAD v4.1: 4 of 1,553,150 alleles (0.00026%); highest among the groups gnomAD compares: East Asian, 0.0024%; no homozygotes.

Submissions (2):

Labcorp Genetics (formerly Invitae), Labcorp
Classification: Uncertain significance. Last evaluated: 2025-12-17. Review status: criteria provided, single submitter. Criteria: Invitae Variant Classification Sherloc (09022015). Collection method: clinical testing. Allele origin: germline.
Comment: This sequence change replaces arginine, which is basic and polar, with histidine, which is basic and polar, at codon 717 of the CLCN7 protein (p.Arg717His). This variant is not present in population databases (gnomAD no frequency). This variant has not been reported in the literature in individuals affected with CLCN7-related conditions. ClinVar contains an entry for this variant (Variation ID: 317945). An algorithm developed to predict the effect of missense changes on protein structure and function (PolyPhen-2) suggests that this variant is likely to be disruptive. In summary, the available evidence is currently insufficient to determine the role of this variant in disease. Therefore, it has been classified as a Variant of Uncertain Significance.

Illumina Laboratory Services, Illumina
Classification: Uncertain significance for Osteopetrosis. Last evaluated: 2018-01-13. Review status: criteria provided, single submitter. Criteria: ICSL Variant Classification Criteria 13 December 2019. Collection method: clinical testing. Allele origin: germline.